The following is an entry in ClinVar:

NM_001142966.3(GREB1L):c.2533C>G (p.His845Asp)

Gene: GREB1L (GREB1 like retinoic acid receptor coactivator; plus strand). Cytogenetic location: 18q11.1.
Variant type: single nucleotide variant.
Coding change: c.2533C>G on transcript NM_001142966.3 (MANE Select); coding-DNA position 2533, C replaced by G.
Protein change: p.His845Asp; replaces histidine 845 with aspartic acid.
Molecular consequence: missense variant.
Genome position (GRCh38, 1-based): chr18:21,477,333, C>G. VCF-style: chr18-21477333-C-G. GRCh37 (hg19) VCF-style: chr18-19057294-C-G.
Other names: c.2662C>G, p.His888Asp (NM_001410867.1); c.2206C>G, p.His736Asp (NM_001410868.1); short protein forms H736D, H845D, H888D.
Identifiers: ClinVar variation 4527090 (VCV004527090.1).
Genomic context (GRCh38, chr18:21,477,333, plus strand): 5'-AGCTCCTTCCCATACACTCTGCAGACCCAACAGTCCCGCATTAGCTCTAGCAATGAGGTT[C>G]ACTGGATACAGCTGGATACTGGGGTGAGTCTCTTGCCTGCTGTCTGATACACTGTCATGT-3'
Protein context (NP_001136438.1, residues 835-855): QSRISSSNEV[His845Asp]WIQLDTGEDV

ClinVar aggregate classification (germline): Uncertain significance (1 of 4 stars; one submission).

Submission:

GeneDx
Classification: Uncertain significance. Last evaluated: 2025-04-22. Review status: criteria provided, single submitter. Criteria: GeneDx Variant Classification Process June 2021. Collection method: clinical testing. Allele origin: germline. Affected: yes.
Comment: Not observed at significant frequency in large population cohorts (gnomAD); In silico analysis supports that this missense variant has a deleterious effect on protein structure/function; Has not been previously published as pathogenic or benign to our knowledge